The following is an entry in ClinVar:

ClinVar aggregate classification (germline): Uncertain significance. Review status: criteria provided, multiple submitters, no conflicts (2 of 4 stars). 2 submissions from 2 submitters: Uncertain significance (2). Last evaluated 2025-09-05.

Conditions:
Inborn genetic diseases. Identifiers: MedGen C0950123, MeSH D030342.

Allele frequency attached by ClinVar (database versions not stated): gnomAD 0.00002; gnomAD exomes 0.00003; TOPMed 0.00005; ExAC 0.00014.
gnomAD v4.1: 51 of 1,614,138 alleles (0.0032%); highest among the groups gnomAD compares: Admixed American, 0.075%; no homozygotes.

Submissions (2):

Ambry Genetics
Classification: Uncertain significance for Inborn genetic diseases. Last evaluated: 2025-09-05. Review status: criteria provided, single submitter. Criteria: Ambry Variant Classification Scheme 2023. Collection method: clinical testing. Allele origin: germline.

Labcorp Genetics (formerly Invitae), Labcorp
Classification: Uncertain significance. Last evaluated: 2022-08-30. Review status: criteria provided, single submitter. Criteria: Invitae Variant Classification Sherloc (09022015). Collection method: clinical testing. Allele origin: germline.
Comment: In summary, the available evidence is currently insufficient to determine the role of this variant in disease. Therefore, it has been classified as a Variant of Uncertain Significance. Algorithms developed to predict the effect of missense changes on protein structure and function (SIFT, PolyPhen-2, Align-GVGD) all suggest that this variant is likely to be tolerated. This variant has not been reported in the literature in individuals affected with MBTPS1-related conditions. This variant is present in population databases (rs745619728, gnomAD 0.1%). This sequence change replaces glutamine, which is neutral and polar, with histidine, which is basic and polar, at codon 192 of the MBTPS1 protein (p.Gln192His).

NM_003791.4(MBTPS1):c.576G>C (p.Gln192His)

Gene: MBTPS1 (membrane bound transcription factor peptidase, site 1; minus strand). Cytogenetic location: 16q23.3.
Variant type: single nucleotide variant.
Coding change: c.576G>C on transcript NM_003791.4 (MANE Select); coding-DNA position 576, G replaced by C.
Protein change: p.Gln192His; replaces glutamine 192 with histidine.
Molecular consequence: missense variant.
Genome position (GRCh38, 1-based): chr16:84,095,651, C>G on the plus strand (G>C on the coding strand, the complement: MBTPS1 is on the minus strand). VCF-style: chr16-84095651-C-G. GRCh37 (hg19) VCF-style: chr16-84129256-C-G.
Other names: c.576G>C (NM_003791.2); short protein forms Q192H.
Identifiers: ClinVar variation 2063801 (VCV002063801.3), dbSNP rs745619728, ClinGen allele CA8201718.
Genomic context (GRCh38, chr16:84,095,651, plus strand): 5'-ATAGCACACACCTGTATATCCCATCTGCCAGAGCACATCTGCCTGCAGTGTCTGGGCAAC[C>G]TGGCGCGGGATGGCTCTCAGCAGCCGTCTGCTCGAATGCCTTCCCGTAGCATGCCAGAAG-3'
Protein context (NP_003782.1, residues 182-202): SRRLLRAIPR[Gln192His]VAQTLQADVL